The following is an entry in ClinVar:

NM_000096.4(CP):c.2377C>T (p.Arg793Cys)

Gene: CP (ceruloplasmin; minus strand). Cytogenetic location: 3q24.
Variant type: single nucleotide variant.
Coding change: c.2377C>T on transcript NM_000096.4 (MANE Select); coding-DNA position 2377, C replaced by T.
Protein change: p.Arg793Cys; replaces arginine 793 with cysteine.
Molecular consequence: missense variant. On other transcripts: non-coding transcript variant (1).
Genome position (GRCh38, 1-based): chr3:149,183,514, G>A on the plus strand (C>T on the coding strand, the complement: CP is on the minus strand). VCF-style: chr3-149183514-G-A. GRCh37 (hg19) VCF-style: chr3-148901301-G-A.
Other names: c.2377C>T (NM_000096.3); short protein forms R793C.
Identifiers: ClinVar variation 2140865 (VCV002140865.2), dbSNP rs771846589, ClinGen allele CA2660776.

ClinVar aggregate classification (germline): Uncertain significance. Review status: criteria provided, multiple submitters, no conflicts (2 of 4 stars). 2 submissions from 2 submitters: Uncertain significance (2). Last evaluated 2025-01-28.

Conditions:
Deficiency of ferroxidase (ACEP). Also called: Deficiency of ceruloplasmin; NEURODEGENERATION WITH BRAIN IRON ACCUMULATION 10; Ceruloplasmin deficiency; Familial apoceruloplasmin deficiency; Hereditary ceruloplasmin deficiency; Aceruloplasminemia. Identifiers: Orphanet 48818, MedGen C0878682, MONDO:0011426, OMIM 604290, HP:0025498.
Inborn genetic diseases. Identifiers: MedGen C0950123, MeSH D030342.

Allele frequency attached by ClinVar (database versions not stated): gnomAD 0.00001; gnomAD exomes 0.00001; ExAC 0.00002.
gnomAD v4.1: 14 of 1,611,136 alleles (0.00087%); highest among the groups gnomAD compares: East Asian, 0.0067%; no homozygotes.

Submissions (2):

Ambry Genetics
Classification: Uncertain significance for Inborn genetic diseases. Last evaluated: 2025-01-28. Review status: criteria provided, single submitter. Criteria: Ambry Variant Classification Scheme 2023. Collection method: clinical testing. Allele origin: germline.

Labcorp Genetics (formerly Invitae), Labcorp
Classification: Uncertain significance for Deficiency of ferroxidase. Last evaluated: 2022-06-11. Review status: criteria provided, single submitter. Criteria: Invitae Variant Classification Sherloc (09022015). Collection method: clinical testing. Allele origin: germline.
Comment: This sequence change replaces arginine, which is basic and polar, with cysteine, which is neutral and slightly polar, at codon 793 of the CP protein (p.Arg793Cys). This variant is present in population databases (rs771846589, gnomAD 0.006%). This variant has not been reported in the literature in individuals affected with CP-related conditions. Algorithms developed to predict the effect of missense changes on protein structure and function are either unavailable or do not agree on the potential impact of this missense change (SIFT: "Tolerated"; PolyPhen-2: "Possibly Damaging"; Align-GVGD: "Class C0"). Algorithms developed to predict the effect of sequence changes on RNA splicing suggest that this variant may create or strengthen a splice site. In summary, the available evidence is currently insufficient to determine the role of this variant in disease. Therefore, it has been classified as a Variant of Uncertain Significance.